The following is an entry in ClinVar:

NM_000213.5(ITGB4):c.599C>A (p.Pro200His)

Gene: ITGB4 (integrin subunit beta 4; plus strand). Cytogenetic location: 17q25.1.
Variant type: single nucleotide variant.
Coding change: c.599C>A on transcript NM_000213.5 (MANE Select); coding-DNA position 599, C replaced by A.
Protein change: p.Pro200His; replaces proline 200 with histidine.
Molecular consequence: missense variant.
Genome position (GRCh38, 1-based): chr17:75,729,297, C>A. VCF-style: chr17-75729297-C-A. GRCh37 (hg19) VCF-style: chr17-73725378-C-A.
Other names: c.599C>A, p.Pro200His (NM_001005619.2, NM_001005731.3, NM_001321123.2); short protein forms P200H.
Identifiers: ClinVar variation 450543 (VCV000450543.2), dbSNP rs148770294, ClinGen allele CA8768729.

ClinVar aggregate classification (germline): Likely pathogenic (1 of 4 stars; one submission).

gnomAD v4.1: 12 of 1,614,094 alleles (0.00074%); highest among the groups gnomAD compares: East Asian, 0.0045%; no homozygotes.

Submission:

GeneDx
Classification: Likely pathogenic. Last evaluated: 2017-07-20. Review status: criteria provided, single submitter. Criteria: GeneDx Variant Classification (06012015). Collection method: clinical testing. Allele origin: germline. Affected: yes.
Comment: The P200H variant in the ITGB4 gene has not been reported previously as a pathogenic variant, nor as a benign variant, to our knowledge. The P200H variant is not observed at a significant frequency in large population cohorts (Lek et al., 2016; 1000 Genomes Consortium et al., 2015; Exome Variant Server). The P200H variant is a non-conservative amino acid substitution, which is likely to impact secondary protein structure as these residues differ in polarity, charge, size and/or other properties. This substitution occurs at a position that is conserved across species, and in silico analysis predicts this variant is probably damaging to the protein structure/function. We interpret P200H as a likely pathogenic variant.